The following is an entry in ClinVar:

NM_000153.4(GALC):c.1978A>G (p.Lys660Glu)

Gene: GALC (galactosylceramidase; minus strand). Cytogenetic location: 14q31.3.
Variant type: single nucleotide variant.
Coding change: c.1978A>G on transcript NM_000153.4 (MANE Select); coding-DNA position 1978, A replaced by G.
Protein change: p.Lys660Glu; replaces lysine 660 with glutamic acid.
Molecular consequence: missense variant.
Genome position (GRCh38, 1-based): chr14:87,934,812, T>C on the plus strand (A>G on the coding strand, the complement: GALC is on the minus strand). VCF-style: chr14-87934812-T-C. GRCh37 (hg19) VCF-style: chr14-88401156-T-C.
Other names: c.1909A>G, p.Lys637Glu (NM_001201401.2); c.1900A>G, p.Lys634Glu (NM_001201402.2); short protein forms K634E, K660E, K637E.
Identifiers: ClinVar variation 2167833 (VCV002167833.4), dbSNP rs762034337, ClinGen allele CA7296840.

ClinVar aggregate classification (germline): Uncertain significance. Review status: criteria provided, multiple submitters, no conflicts (2 of 4 stars). 2 submissions from 2 submitters: Uncertain significance (2). Last evaluated 2024-06-07.

Conditions:
Galactosylceramide beta-galactosidase deficiency. Also called: GALACTOCEREBROSIDASE DEFICIENCY; GALC DEFICIENCY; GLOBOID CELL LEUKOENCEPHALOPATHY; Leukodystrophy, Globoid Cell; Krabbe Disease. Identifiers: Orphanet 487, MedGen C0023521, MONDO:0009499, OMIM 245200.

Allele frequency attached by ClinVar (database versions not stated): gnomAD exomes below 0.00001; ExAC 0.00001; gnomAD 0.00002.
gnomAD v4.1: 6 of 1,613,098 alleles (0.00037%); highest among the groups gnomAD compares: Admixed American, 0.0033%; no homozygotes.

Submissions (2):

Women's Health and Genetics/Laboratory Corporation of America, LabCorp
Classification: Uncertain significance. Last evaluated: 2024-06-07. Review status: criteria provided, single submitter. Criteria: LabCorp Variant Classification Summary - May 2015. Collection method: clinical testing. Allele origin: germline.

Labcorp Genetics (formerly Invitae), Labcorp
Classification: Uncertain significance for Galactosylceramide beta-galactosidase deficiency. Last evaluated: 2024-04-05. Review status: criteria provided, single submitter. Criteria: Invitae Variant Classification Sherloc (09022015). Collection method: clinical testing. Allele origin: germline.
Comment: This sequence change replaces lysine, which is basic and polar, with glutamic acid, which is acidic and polar, at codon 660 of the GALC protein (p.Lys660Glu). This variant is present in population databases (rs762034337, gnomAD 0.007%). This variant has not been reported in the literature in individuals affected with GALC-related conditions. ClinVar contains an entry for this variant (Variation ID: 2167833). Advanced modeling of protein sequence and biophysical properties (such as structural, functional, and spatial information, amino acid conservation, physicochemical variation, residue mobility, and thermodynamic stability) performed at Invitae indicates that this missense variant is not expected to disrupt GALC protein function with a negative predictive value of 95%. In summary, the available evidence is currently insufficient to determine the role of this variant in disease. Therefore, it has been classified as a Variant of Uncertain Significance.